The following is an entry in ClinVar:

ClinVar aggregate classification (germline): Uncertain significance (1 of 4 stars; one submission).

Submission:

Labcorp Genetics (formerly Invitae), Labcorp
Classification: Uncertain significance. Last evaluated: 2022-08-28. Review status: criteria provided, single submitter. Criteria: Invitae Variant Classification Sherloc (09022015). Collection method: clinical testing. Allele origin: germline.
Comment: In summary, the available evidence is currently insufficient to determine the role of this variant in disease. Therefore, it has been classified as a Variant of Uncertain Significance. Algorithms developed to predict the effect of missense changes on protein structure and function output the following: SIFT: "Deleterious"; PolyPhen-2: "Benign"; Align-GVGD: "Class C0". The tyrosine amino acid residue is found in multiple mammalian species, which suggests that this missense change does not adversely affect protein function. This variant has not been reported in the literature in individuals affected with TNFAIP3-related conditions. This variant is not present in population databases (gnomAD no frequency). This sequence change replaces cysteine, which is neutral and slightly polar, with tyrosine, which is neutral and polar, at codon 579 of the TNFAIP3 protein (p.Cys579Tyr).

NM_001270508.2(TNFAIP3):c.1736G>A (p.Cys579Tyr)

Gene: TNFAIP3 (TNF alpha induced protein 3; plus strand). Cytogenetic location: 6q23.3.
Variant type: single nucleotide variant.
Coding change: c.1736G>A on transcript NM_001270508.2 (MANE Select); coding-DNA position 1736, G replaced by A.
Protein change: p.Cys579Tyr; replaces cysteine 579 with tyrosine.
Molecular consequence: missense variant.
Genome position (GRCh38, 1-based): chr6:137,879,181, G>A. VCF-style: chr6-137879181-G-A. GRCh37 (hg19) VCF-style: chr6-138200318-G-A.
Other names: c.1736G>A, p.Cys579Tyr (NM_001270507.2, NM_006290.4); short protein forms C579Y.
Identifiers: ClinVar variation 1718215 (VCV001718215.5), dbSNP rs368025276, ClinGen allele CA365793367.